The following is an entry in ClinVar:

ClinVar aggregate classification (germline): Uncertain significance. Review status: criteria provided, multiple submitters, no conflicts (2 of 4 stars). 2 submissions from 2 submitters: Uncertain significance (2). Last evaluated 2025-01-17.

Allele frequency attached by ClinVar (database versions not stated): gnomAD exomes below 0.00001 and 0.00002; TOPMed 0.00001; ExAC 0.00002.
gnomAD v4.1: 7 of 1,614,184 alleles (0.00043%); highest among the groups gnomAD compares: East Asian, 0.016%; no homozygotes.

Submissions (2):

Ambry Genetics
Classification: Uncertain significance. Last evaluated: 2025-01-17. Review status: criteria provided, single submitter. Criteria: Ambry Variant Classification Scheme 2023. Collection method: clinical testing. Allele origin: germline.
Comment: The p.K315N variant (also known as c.945G>C), located in coding exon 7 of the RINT1 gene, results from a G to C substitution at nucleotide position 945. The lysine at codon 315 is replaced by asparagine, an amino acid with similar properties. This amino acid position is conserved. In addition, this alteration is predicted to be tolerated by in silico analysis. Since supporting evidence is limited at this time, the clinical significance of this alteration remains unclear.

Labcorp Genetics (formerly Invitae), Labcorp
Classification: Uncertain significance. Last evaluated: 2022-03-01. Review status: criteria provided, single submitter. Criteria: Invitae Variant Classification Sherloc (09022015). Collection method: clinical testing. Allele origin: germline.
Comment: In summary, the available evidence is currently insufficient to determine the role of this variant in disease. Therefore, it has been classified as a Variant of Uncertain Significance. Algorithms developed to predict the effect of sequence changes on RNA splicing suggest that this variant may disrupt the consensus splice site. Algorithms developed to predict the effect of missense changes on protein structure and function are either unavailable or do not agree on the potential impact of this missense change (SIFT: "Tolerated"; PolyPhen-2: "Probably Damaging"; Align-GVGD: "Class C0"). ClinVar contains an entry for this variant (Variation ID: 954264). This variant has not been reported in the literature in individuals affected with RINT1-related conditions. This variant is present in population databases (rs767554092, gnomAD 0.03%). This sequence change replaces lysine, which is basic and polar, with asparagine, which is neutral and polar, at codon 315 of the RINT1 protein (p.Lys315Asn).

NM_021930.6(RINT1):c.945G>C (p.Lys315Asn)

Gene: RINT1 (RAD50 interactor 1; plus strand). Cytogenetic location: 7q22.3.
Variant type: single nucleotide variant.
Coding change: c.945G>C on transcript NM_021930.6 (MANE Select); coding-DNA position 945, G replaced by C.
Protein change: p.Lys315Asn; replaces lysine 315 with asparagine.
Molecular consequence: missense variant. On other transcripts: 5 prime UTR variant (1), non-coding transcript variant (1), intron variant (1).
Genome position (GRCh38, 1-based): chr7:105,548,659, G>C. VCF-style: chr7-105548659-G-C. GRCh37 (hg19) VCF-style: chr7-105189106-G-C.
Other names: c.711G>C, p.Lys237Asn (NM_001346599.2); c.-75G>C (NM_001346600.2); c.21G>C, p.Lys7Asn (NM_001346601.2); c.-27-1396G>C (NM_001346603.2); short protein forms K7N, K237N, K315N.
Identifiers: ClinVar variation 954264 (VCV000954264.11), dbSNP rs767554092, ClinGen allele CA4426564.
Genomic context (GRCh38, chr7:105,548,659, plus strand): 5'-TCTTCCTGCCTCCCCTTCTGTCATCCTGCCCATCCAGGTTATGCTGACTCCTCTTCAGAA[G>C]AGGTTCAGGTATCACTTCAGAGGGAACCGGCAGACTAATGTGTTAAGCAAGGTGTGTTTT-3'
Protein context (NP_068749.3, residues 305-325): PIQVMLTPLQ[Lys315Asn]RFRYHFRGNR